The following is an entry in ClinVar:

ClinVar aggregate classification (germline): Uncertain significance. Review status: criteria provided, multiple submitters, no conflicts (2 of 4 stars). 2 submissions from 2 submitters: Uncertain significance (2). Last evaluated 2025-10-03.

Conditions:
Neutropenia, severe congenital, 2, autosomal dominant. Identifiers: Orphanet 486, MedGen C2751288, MONDO:0013139, OMIM 613107.

gnomAD v4.1: 4 of 1,606,118 alleles (0.00025%); highest among the groups gnomAD compares: South Asian, 0.0011%; no homozygotes.

Submissions (2):

Labcorp Genetics (formerly Invitae), Labcorp
Classification: Uncertain significance for Neutropenia, severe congenital, 2, autosomal dominant. Last evaluated: 2025-10-03. Review status: criteria provided, single submitter. Criteria: Invitae Variant Classification Sherloc (09022015). Collection method: clinical testing. Allele origin: germline.
Comment: This sequence change replaces leucine, which is neutral and non-polar, with proline, which is neutral and non-polar, at codon 135 of the GFI1 protein (p.Leu135Pro). The frequency data for this variant in the population databases is considered unreliable, as metrics indicate poor data quality at this position in the gnomAD database. This variant has not been reported in the literature in individuals affected with GFI1-related conditions. ClinVar contains an entry for this variant (Variation ID: 3853739). Invitae Evidence Modeling of protein sequence and biophysical properties (such as structural, functional, and spatial information, amino acid conservation, physicochemical variation, residue mobility, and thermodynamic stability) indicates that this missense variant is not expected to disrupt GFI1 protein function with a negative predictive value of 80%. In summary, the available evidence is currently insufficient to determine the role of this variant in disease. Therefore, it has been classified as a Variant of Uncertain Significance.

Ambry Genetics
Classification: Uncertain significance. Last evaluated: 2025-03-04. Review status: criteria provided, single submitter. Criteria: Ambry Variant Classification Scheme 2023. Collection method: clinical testing. Allele origin: germline.
Comment: The p.L135P variant (also known as c.404T>C), located in coding exon 3 of the GFI1 gene, results from a T to C substitution at nucleotide position 404. The leucine at codon 135 is replaced by proline, an amino acid with similar properties. This amino acid position is conserved. In addition, this alteration is predicted to be tolerated by in silico analysis. Based on the available evidence, the clinical significance of this variant remains unclear.

NM_005263.5(GFI1):c.404T>C (p.Leu135Pro)

Gene: GFI1 (growth factor independent 1 transcriptional repressor; minus strand). Cytogenetic location: 1p22.1.
Variant type: single nucleotide variant.
Coding change: c.404T>C on transcript NM_005263.5 (MANE Select); coding-DNA position 404, T replaced by C.
Protein change: p.Leu135Pro; replaces leucine 135 with proline.
Molecular consequence: missense variant.
Genome position (GRCh38, 1-based): chr1:92,480,983, A>G on the plus strand (T>C on the coding strand, the complement: GFI1 is on the minus strand). VCF-style: chr1-92480983-A-G. GRCh37 (hg19) VCF-style: chr1-92946540-A-G.
Other names: c.404T>C, p.Leu135Pro (NM_001127215.3, NM_001127216.3); short protein forms L135P.
Identifiers: ClinVar variation 3853739 (VCV003853739.2).